The following is an entry in ClinVar:

ClinVar aggregate classification (germline): Pathogenic. Review status: criteria provided, multiple submitters, no conflicts (2 of 4 stars). 2 submissions from 2 submitters: Pathogenic (2). Last evaluated 2025-02-27.

Conditions:
Hereditary breast ovarian cancer syndrome. Also called: Breast and ovarian cancer; BRCA1- and BRCA2-Associated Hereditary Breast and Ovarian Cancer; Hereditary breast and/or ovarian cancer syndrome; Hereditary breast and ovarian cancer; Hereditary breast and ovarian cancer syndrome (HBOC); Hereditary breast and ovarian cancer syndrome. Identifiers: Orphanet 145, MedGen C0677776, MeSH D061325, MONDO:0003582. Disease mechanism: loss of function.
Hereditary cancer-predisposing syndrome. Also called: Tumor predisposition; Hereditary Cancer Syndrome; Hereditary neoplastic syndrome; Neoplastic Syndromes, Hereditary. Identifiers: Orphanet 140162, MedGen C0027672, MeSH D009386, MONDO:0015356.

Submissions (2):

Ambry Genetics
Classification: Pathogenic for Hereditary cancer-predisposing syndrome. Last evaluated: 2025-02-27. Review status: criteria provided, single submitter. Criteria: Ambry Variant Classification Scheme 2023. Collection method: clinical testing. Allele origin: germline.
Comment: The c.577delT pathogenic mutation, located in coding exon 6 of the BRCA2 gene, results from a deletion of one nucleotide at nucleotide position 577, causing a translational frameshift with a predicted alternate stop codon (p.S193Lfs*6). This variant is considered to be rare based on population cohorts in the Genome Aggregation Database (gnomAD). This alteration is expected to result in loss of function by premature protein truncation or nonsense-mediated mRNA decay. As such, this alteration is interpreted as a disease-causing mutation.

Labcorp Genetics (formerly Invitae), Labcorp
Classification: Pathogenic for Hereditary breast ovarian cancer syndrome. Last evaluated: 2024-09-25. Review status: criteria provided, single submitter. Criteria: Invitae Variant Classification Sherloc (09022015). Collection method: clinical testing. Allele origin: germline.
Comment: This sequence change creates a premature translational stop signal (p.Ser193Leufs*6) in the BRCA2 gene. It is expected to result in an absent or disrupted protein product. Loss-of-function variants in BRCA2 are known to be pathogenic (PMID: 20104584). This variant is not present in population databases (gnomAD no frequency). This variant has not been reported in the literature in individuals affected with BRCA2-related conditions. RNA analysis performed to evaluate the impact of this premature translational stop signal on mRNA splicing indicates it does not significantly alter splicing (internal data). For these reasons, this variant has been classified as Pathogenic.

Literature cited by the submitters: PubMed 20104584 (cited by Labcorp Genetics (formerly Invitae), Labcorp).

NM_000059.4(BRCA2):c.577del (p.Ser193fs)

Gene: BRCA2 (BRCA2 DNA repair associated; plus strand). Cytogenetic location: 13q13.1.
Variant type: Deletion.
Coding change: c.577del on transcript NM_000059.4 (MANE Select); coding-DNA position 577, one base deleted (T; older notation c.577delT).
Protein change: p.Ser193fs; shifts the reading frame from serine 193.
Molecular consequence: frameshift variant. On other transcripts: non-coding transcript variant (1).
Genome position (GRCh38, 1-based): chr13:32,326,559, T deleted. VCF-style (leftmost placement, unchanged base first): chr13-32326558-GT-G. GRCh37 (hg19) VCF-style: chr13-32900695-GT-G.
Other names: c.577del, p.Ser193fs (NM_001406719.1, NM_001406720.1, NM_001406721.1 and 1 more transcripts); c.208del, p.Ser70fs (NM_001406722.1); short protein forms S193fs, S70fs.
Identifiers: ClinVar variation 3721488 (VCV003721488.3).
Genomic context (GRCh38, chr13:32,326,558, plus strand): 5'-GGGTCGTCAGACACCAAAACATATTTCTGAAAGTCTAGGAGCTGAGGTGGATCCTGATAT[GT>G]CTTGGTCAAGTTCTTTAGCTACACCACCCACCCTTAGTTCTACTGTGCTCATAGGTAATA-3'